The following is an entry in ClinVar:

NM_003872.3(NRP2):c.1255G>A (p.Ala419Thr)

Gene: NRP2 (neuropilin 2; plus strand). Cytogenetic location: 2q33.3.
Variant type: single nucleotide variant.
Coding change: c.1255G>A on transcript NM_003872.3 (MANE Select); coding-DNA position 1255, G replaced by A.
Protein change: p.Ala419Thr; replaces alanine 419 with threonine.
Molecular consequence: missense variant.
Genome position (GRCh38, 1-based): chr2:205,740,627, G>A. VCF-style: chr2-205740627-G-A. GRCh37 (hg19) VCF-style: chr2-206605351-G-A.
Other names: c.1255G>A, p.Ala419Thr (NM_018534.4, NM_201264.2, NM_201266.2 and 2 more transcripts); short protein forms A419T.
Identifiers: ClinVar variation 3358169 (VCV003358169.2).

ClinVar aggregate classification (germline): Uncertain significance (1 of 4 stars; one submission).

Conditions:
NRP2-related disorder. Also called: NRP2-related condition.

gnomAD v4.1: 34 of 1,614,176 alleles (0.0021%); highest among the groups gnomAD compares: African/African-American, 0.032%; no homozygotes.

Submission:

PreventionGenetics, part of Exact Sciences
Classification: Uncertain significance for NRP2-related condition. Last evaluated: 2026-08-12. Review status: criteria provided, single submitter. Criteria: ACMG Guidelines, 2015. Collection method: clinical testing. Allele origin: germline.
Comment: The NRP2 c.1255G>A variant is predicted to result in the amino acid substitution p.Ala419Thr. To our knowledge, this variant has not been reported in the literature. This variant is reported in 0.040% of alleles in individuals of African descent in gnomAD. At this time, the clinical significance of this variant is uncertain due to the absence of conclusive functional and genetic evidence.